The following is an entry in ClinVar:

NM_007194.4(CHEK2):c.1031T>C (p.Ile344Thr)

Gene: CHEK2 (checkpoint kinase 2; minus strand). Cytogenetic location: 22q12.1.
Variant type: single nucleotide variant.
Coding change: c.1031T>C on transcript NM_007194.4 (MANE Select); coding-DNA position 1031, T replaced by C.
Protein change: p.Ile344Thr; replaces isoleucine 344 with threonine.
Molecular consequence: missense variant. On other transcripts: intron variant (3).
Genome position (GRCh38, 1-based): chr22:28,696,965, A>G on the plus strand (T>C on the coding strand, the complement: CHEK2 is on the minus strand). VCF-style: chr22-28696965-A-G. GRCh37 (hg19) VCF-style: chr22-29092953-A-G.
Other names: c.1160T>C, p.Ile387Thr (NM_001005735.3); c.368T>C, p.Ile123Thr (NM_001257387.3, NM_001437942.1); c.830T>C, p.Ile277Thr (NM_001349956.3); c.1124T>C, p.Ile375Thr (NM_001438293.1); c.1009-1092T>C (NM_145862.3); c.1102-1092T>C (NM_001438295.1); c.1138-1092T>C (NM_001438294.1); short protein forms I344T, I277T, I387T, I123T, I375T.
Identifiers: ClinVar variation 574495 (VCV000574495.16), dbSNP rs1569116223, ClinGen allele CA411097764.
Genomic context (GRCh38, chr22:28,696,965, plus strand): 5'-ATAAGACAGTCCTCTTCTTGAGATGACAGTAAAACATTCTCTGGCTTTAAGTCACGGTGT[A>G]TAATACCGTTTTCATGAAGGTACTACACAGAAAGGCAGGCATGACCCTCAGATTCATGCA-3'
Protein context (NP_009125.1, residues 334-354): AVQYLHENGI[Ile344Thr]HRDLKPENVL

ClinVar aggregate classification (germline): Uncertain significance. Review status: criteria provided, multiple submitters, no conflicts (2 of 4 stars). 3 submissions from 3 submitters: Uncertain significance (3). Last evaluated 2025-03-26.

Conditions:
Hereditary cancer-predisposing syndrome. Also called: Neoplastic Syndromes, Hereditary; Hereditary Cancer Syndrome; Tumor predisposition; Hereditary neoplastic syndrome. Identifiers: Orphanet 140162, MedGen C0027672, MeSH D009386, MONDO:0015356.
Familial cancer of breast. Also called: hereditary breast carcinoma; BREAST CANCER, FAMILIAL; Hereditary breast cancer. Identifiers: Orphanet 227535, MedGen C0346153, MONDO:0016419, OMIM 114480. Disease mechanism: loss of function.

Submissions (3):

Ambry Genetics
Classification: Uncertain significance for Hereditary cancer-predisposing syndrome. Last evaluated: 2025-03-26. Review status: criteria provided, single submitter. Criteria: Ambry Variant Classification Scheme 2023. Collection method: clinical testing. Allele origin: germline.
Comment: The p.I344T variant (also known as c.1031T>C), located in coding exon 9 of the CHEK2 gene, results from a T to C substitution at nucleotide position 1031. The isoleucine at codon 344 is replaced by threonine, an amino acid with similar properties. This variant was reported as functional in a study assessing CHEK2-complementation through quantification of KAP1 phosphorylation and CHK2 autophosphorylation in human RPE1-CHEK2-knockout cells (Stolarova L et al. Clin Cancer Res, 2023 Aug;29:3037-3050). This amino acid position is highly conserved in available vertebrate species. In addition, this alteration is predicted to be deleterious by in silico analysis. Based on the available evidence, the clinical significance of this variant remains unclear.

Labcorp Genetics (formerly Invitae), Labcorp
Classification: Uncertain significance for Familial cancer of breast. Last evaluated: 2024-12-02. Review status: criteria provided, single submitter. Criteria: Invitae Variant Classification Sherloc (09022015). Collection method: clinical testing. Allele origin: germline.
Comment: This sequence change replaces isoleucine, which is neutral and non-polar, with threonine, which is neutral and polar, at codon 344 of the CHEK2 protein (p.Ile344Thr). This variant is not present in population databases (gnomAD no frequency). This variant has not been reported in the literature in individuals affected with CHEK2-related conditions. ClinVar contains an entry for this variant (Variation ID: 574495). An algorithm developed to predict the effect of missense changes on protein structure and function (PolyPhen-2) suggests that this variant is likely to be disruptive. In summary, the available evidence is currently insufficient to determine the role of this variant in disease. Therefore, it has been classified as a Variant of Uncertain Significance.

Baylor Genetics
Classification: Uncertain significance for Familial cancer of breast. Last evaluated: 2023-07-20. Review status: criteria provided, single submitter. Criteria: ACMG Guidelines, 2015. Collection method: clinical testing. Allele origin: unknown.

Literature cited by the submitters: PubMed 37449874 (cited by Ambry Genetics).